The following is an entry in ClinVar:

ClinVar aggregate classification (germline): Uncertain significance (1 of 4 stars; one submission).

Conditions:
Intellectual developmental disorder, autosomal dominant 1. Also called: Intellectual disability, autosomal dominant 1; MBD5 Haploinsufficiency. Identifiers: Orphanet 228402, MedGen C1969562, MONDO:0007974, OMIM 156200.

Allele frequency attached by ClinVar (database versions not stated): gnomAD exomes below 0.00001.
gnomAD v4.1: 1 of 1,614,176 alleles (0.000062%); highest among the groups gnomAD compares: Non-Finnish European, 0.000085%; no homozygotes.

Submission:

Labcorp Genetics (formerly Invitae), Labcorp
Classification: Uncertain significance for Intellectual developmental disorder, autosomal dominant 1. Last evaluated: 2022-05-21. Review status: criteria provided, single submitter. Criteria: Invitae Variant Classification Sherloc (09022015). Collection method: clinical testing. Allele origin: germline.
Comment: This sequence change replaces histidine, which is basic and polar, with arginine, which is basic and polar, at codon 1335 of the MBD5 protein (p.His1335Arg). This variant is not present in population databases (gnomAD no frequency). This variant has not been reported in the literature in individuals affected with MBD5-related conditions. Algorithms developed to predict the effect of missense changes on protein structure and function are either unavailable or do not agree on the potential impact of this missense change (SIFT: "Deleterious"; PolyPhen-2: "Not Available"; Align-GVGD: "Class C25"). In summary, the available evidence is currently insufficient to determine the role of this variant in disease. Therefore, it has been classified as a Variant of Uncertain Significance.

NM_001378120.1(MBD5):c.4703A>G (p.His1568Arg)

Gene: MBD5 (methyl-CpG binding domain protein 5; plus strand). Cytogenetic location: 2q23.1.
Variant type: single nucleotide variant.
Coding change: c.4703A>G on transcript NM_001378120.1 (MANE Select); coding-DNA position 4703, A replaced by G.
Protein change: p.His1568Arg; replaces histidine 1568 with arginine.
Molecular consequence: missense variant.
Genome position (GRCh38, 1-based): chr2:148,490,335, A>G. VCF-style: chr2-148490335-A-G. GRCh37 (hg19) VCF-style: chr2-149247904-A-G.
Other names: c.4004A>G, p.His1335Arg (NM_018328.5); short protein forms H1568R, H1335R.
Identifiers: ClinVar variation 1510212 (VCV001510212.3), dbSNP rs999944646, ClinGen allele CA57597292.